The following is an entry in ClinVar:

ClinVar aggregate classification (germline): Conflicting classifications of pathogenicity. Review status: criteria provided, conflicting classifications (1 of 4 stars). 4 submissions from 4 submitters: Uncertain significance (3); Likely benign (1). Last evaluated 2025-10-05.

Conditions:
Hereditary cancer-predisposing syndrome. Also called: Tumor predisposition; Neoplastic Syndromes, Hereditary; Hereditary Cancer Syndrome; Hereditary neoplastic syndrome. Identifiers: Orphanet 140162, MedGen C0027672, MeSH D009386, MONDO:0015356.
Neuroblastoma, susceptibility to, 3. Also called: ALK-Related Neuroblastic Tumor Susceptibility. Identifiers: Orphanet 635, MedGen C2751681, MONDO:0013083, OMIM 613014.

Allele frequency attached by ClinVar (database versions not stated): gnomAD 0.00001; gnomAD exomes 0.00001; TOPMed 0.00002.
gnomAD v4.1: 9 of 1,577,554 alleles (0.00057%); highest among the groups gnomAD compares: Non-Finnish European, 0.00077%; no homozygotes.

Submissions (4):

Labcorp Genetics (formerly Invitae), Labcorp
Classification: Uncertain significance for Neuroblastoma, susceptibility to, 3. Last evaluated: 2025-10-05. Review status: criteria provided, single submitter. Criteria: Invitae Variant Classification Sherloc (09022015). Collection method: clinical testing. Allele origin: germline.
Comment: This sequence change replaces glycine, which is neutral and non-polar, with serine, which is neutral and polar, at codon 26 of the ALK protein (p.Gly26Ser). This variant is not present in population databases (gnomAD no frequency). This variant has not been reported in the literature in individuals affected with ALK-related conditions. ClinVar contains an entry for this variant (Variation ID: 404337). An algorithm developed to predict the effect of missense changes on protein structure and function outputs the following: PolyPhen-2: "Benign". The serine amino acid residue is found in multiple mammalian species, which suggests that this missense change does not adversely affect protein function. In summary, the available evidence is currently insufficient to determine the role of this variant in disease. Therefore, it has been classified as a Variant of Uncertain Significance.

Ambry Genetics
Classification: Likely benign for Hereditary cancer-predisposing syndrome. Last evaluated: 2024-12-09. Review status: criteria provided, single submitter. Criteria: Ambry Variant Classification Scheme 2023. Collection method: clinical testing. Allele origin: germline.

Baylor Genetics
Classification: Uncertain significance for Neuroblastoma, susceptibility to, 3. Last evaluated: 2023-10-11. Review status: criteria provided, single submitter. Criteria: ACMG Guidelines, 2015. Collection method: clinical testing. Allele origin: unknown.

GeneDx
Classification: Uncertain significance. Last evaluated: 2023-06-09. Review status: criteria provided, single submitter. Criteria: GeneDx Variant Classification Process June 2021. Collection method: clinical testing. Allele origin: germline. Affected: yes.
Comment: Not observed at significant frequency in large population cohorts (gnomAD); In silico analysis supports that this missense variant does not alter protein structure/function; Has not been previously published as pathogenic or benign to our knowledge

NM_004304.5(ALK):c.76G>A (p.Gly26Ser)

Gene: ALK (ALK receptor tyrosine kinase; minus strand). Cytogenetic location: 2p23.1.
Variant type: single nucleotide variant.
Coding change: c.76G>A on transcript NM_004304.5 (MANE Select); coding-DNA position 76, G replaced by A.
Protein change: p.Gly26Ser; replaces glycine 26 with serine.
Molecular consequence: missense variant.
Genome position (GRCh38, 1-based): chr2:29,920,584, C>T on the plus strand (G>A on the coding strand, the complement: ALK is on the minus strand). VCF-style: chr2-29920584-C-T. GRCh37 (hg19) VCF-style: chr2-30143450-C-T.
Other names: short protein forms G26S.
Identifiers: ClinVar variation 404337 (VCV000404337.11), dbSNP rs1060500214, ClinGen allele CA16610758.